The following is an entry in ClinVar:

ClinVar aggregate classification (germline): Benign (0 of 4 stars; one submission).

Conditions:
ADGRL2-related disorder. Also called: ADGRL2-related condition.

Allele frequency attached by ClinVar (database versions not stated): gnomAD exomes 0.00017; gnomAD 0.00034; TOPMed 0.00041; ExAC 0.00092; 1000 Genomes Project 0.00180; 1000 Genomes Project 30x 0.00219.
gnomAD v4.1: 318 of 1,613,586 alleles (0.02%); highest among the groups gnomAD compares: East Asian, 0.61%; 4 homozygotes.

Submission:

PreventionGenetics, part of Exact Sciences
Classification: Benign for ADGRL2-related condition. Last evaluated: 2019-10-28. Review status: no assertion criteria provided. Collection method: clinical testing. Allele origin: germline.
Comment: This variant is classified as benign based on ACMG/AMP sequence variant interpretation guidelines (Richards et al. 2015 PMID: 25741868, with internal and published modifications).

NM_001366006.2(ADGRL2):c.1734T>C (p.Asp578=)

Gene: ADGRL2 (adhesion G protein-coupled receptor L2; plus strand). Cytogenetic location: 1p31.1.
Variant type: single nucleotide variant.
Coding change: c.1734T>C on transcript NM_001366006.2 (MANE Select); coding-DNA position 1734, T replaced by C.
Protein change: p.Asp578=; no amino-acid change (aspartic acid 578 retained).
Molecular consequence: synonymous variant. On other transcripts: non-coding transcript variant (1).
Genome position (GRCh38, 1-based): chr1:81,952,082, T>C. VCF-style: chr1-81952082-T-C. GRCh37 (hg19) VCF-style: chr1-82417766-T-C.
Other names: c.1722T>C, p.Asp574= (NM_001297704.3, NM_001297705.3, NM_001297706.3 and 10 more transcripts); c.1734T>C, p.Asp578= (NM_001350698.2, NM_001366003.2, NM_001366004.2 and 4 more transcripts).
Identifiers: ClinVar variation 3045309 (VCV003045309.2), dbSNP rs141216171, ClinGen allele CA922518.
Genomic context (GRCh38, chr1:81,952,082, plus strand): 5'-GTTTGCTGGGGATGTAAGTTCTTCAGTGAGATTGATGGAGCAGTTGGTGGACATCCTTGA[T>C]GCACAGCTGCAGGAACTGAAACCTAGTGAAAAAGATTCAGCTGGACGGAGTTATAACAAG-3'
Protein context (NP_001352935.1, residues 568-588): RLMEQLVDIL[Asp578=]AQLQELKPSE